The following is an entry in ClinVar:

NM_033380.3(COL4A5):c.1154del (p.Pro385fs)

Gene: COL4A5 (collagen type IV alpha 5 chain; plus strand). Cytogenetic location: Xq22.3.
Variant type: Deletion.
Coding change: c.1154del on transcript NM_033380.3 (MANE Select); coding-DNA position 1154, one base deleted (C; older notation c.1154delC).
Protein change: p.Pro385fs; shifts the reading frame from proline 385.
Molecular consequence: frameshift variant.
Genome position (GRCh38, 1-based): chrX:108,586,736, C deleted; the last of 2 consecutive C bases (chrX:108,586,735-108,586,736); deleting either gives the same sequence. VCF-style (leftmost placement, unchanged base first): chrX-108586734-TC-T. GRCh37 (hg19) VCF-style: chrX-107829964-TC-T.
Other names: c.1154del, p.Pro385fs (NM_000495.5); short protein forms P385fs.
Identifiers: ClinVar variation 5013758 (VCV005013758.1).
Genomic context (GRCh38, chrX:108,586,734, plus strand): 5'-TGGGTTGCCTGGAGAAAAAGGAGAGCGAGGATTTCCTGGAATACAGGGTCCACCTGGCCT[TC>T]CTGGACCTCCAGGTAAATGAGATTGCATTTATGGCCTTGTTCTTATAGCATCCTTACTAA-3'

ClinVar aggregate classification (germline): Pathogenic (1 of 4 stars; one submission).

Conditions:
X-linked Alport syndrome (ATS1). Also called: COL4A5-Related Nephropathy; NEPHROPATHY AND DEAFNESS, X-LINKED. Identifiers: Orphanet 63, Orphanet 88917, MedGen C4746986, MONDO:0010520, OMIM 301050.

Submission:

Myriad Genetics, Inc.
Classification: Pathogenic for X-linked Alport syndrome. Last evaluated: 2024-11-15. Review status: criteria provided, single submitter. Criteria: Myriad Autosomal Dominant, Autosomal Recessive and X-Linked Classification Criteria (2023). Collection method: clinical testing. Allele origin: unknown.
Comment: NM_000495.4(COL4A5):c.1154delC(P385Lfs*89) is expected to be pathogenic in the context of X-linked Alport syndrome. This variant is predicted to lead to an abnormal or absent protein product due to the creation of a premature termination codon in COL4A5, a gene where loss-of-function variants are known to be pathogenic. Please note: this variant was assessed in the context of healthy population screening.